The following is an entry in ClinVar:

NM_001605.3(AARS1):c.383T>C (p.Ile128Thr)

Gene: AARS1 (alanyl-tRNA synthetase 1; minus strand). Cytogenetic location: 16q22.1.
Variant type: single nucleotide variant.
Coding change: c.383T>C on transcript NM_001605.3 (MANE Select); coding-DNA position 383, T replaced by C.
Protein change: p.Ile128Thr; replaces isoleucine 128 with threonine.
Molecular consequence: missense variant.
Genome position (GRCh38, 1-based): chr16:70,276,582, A>G on the plus strand (T>C on the coding strand, the complement: AARS1 is on the minus strand). VCF-style: chr16-70276582-A-G. GRCh37 (hg19) VCF-style: chr16-70310485-A-G.
Other names: short protein forms I128T.
Identifiers: ClinVar variation 246244 (VCV000246244.2), dbSNP rs879254175, ClinGen allele CA10584535.

ClinVar aggregate classification (germline): Uncertain significance (1 of 4 stars; one submission).

Submission:

GeneDx
Classification: Uncertain significance. Last evaluated: 2016-01-25. Review status: criteria provided, single submitter. Criteria: GeneDx Variant Classification (06012015). Collection method: clinical testing. Allele origin: germline. Affected: yes.
Comment: The I128T variant has not been published as a pathogenic variant, nor has it been reported as a benign variant to our knowledge. The I128T variant was not observed in approximately 6500 individuals of European and African American ancestry in the NHLBI Exome Sequencing Project, indicating it is not a common benign variant in these populations. The I128T variant is a non-conservative amino acid substitution, which is likely to impact secondary protein structure as these residues differ in polarity, charge, size and/or other properties. This substitution occurs at a position that is conserved across species. In silico analysis predicts this variant is probably damaging to the protein structure/function. Therefore, based on the currently available information, it is unclear whether this variant is a pathogenic variant or a rare benign variant.